The following is an entry in ClinVar:

ClinVar aggregate classification (germline): Pathogenic/Likely pathogenic. Review status: criteria provided, multiple submitters, no conflicts (2 of 4 stars). 2 submissions from 2 submitters: Pathogenic (1); Likely pathogenic (1). Last evaluated 2025-09-30.

Conditions:
Peroxisome biogenesis disorder 5A (Zellweger) (PBD5A). Identifiers: Orphanet 912, MedGen C3553940, MONDO:0013932, OMIM 614866.
Peroxisome biogenesis disorder. Identifiers: Orphanet 79189, MedGen C1832200, MONDO:0019234. Disease mechanism: loss of function.

Allele frequency attached by ClinVar (database versions not stated): gnomAD exomes below 0.00001.

Submissions (2):

Myriad Genetics, Inc.
Classification: Likely pathogenic for Peroxisome biogenesis disorder. Last evaluated: 2025-09-30. Review status: criteria provided, single submitter. Criteria: Myriad Autosomal Dominant, Autosomal Recessive and X-Linked Classification Criteria (2023). Collection method: clinical testing. Allele origin: unknown.
Comment: NM_000318.2(PEX2):c.118delT(C40Afs*10) is a frameshift variant classified as likely pathogenic in the context of peroxisome biogenesis disorder type 5. C40Afs*10 has not been observed in cases with relevant disease. Relevant functional assessments of this variant are not available in the literature. Internal structural analysis of the variant is supportive of pathogenicity. C40Afs*10 has not been observed in referenced population frequency databases. In summary, NM_000318.2(PEX2):c.118delT(C40Afs*10) is a frameshift variant in a gene where loss of function is a known mechanism of disease and is predicted to disrupt protein function. Please note: this variant was assessed in the context of healthy population screening.

Labcorp Genetics (formerly Invitae), Labcorp
Classification: Pathogenic for Peroxisome biogenesis disorder 5A (Zellweger). Last evaluated: 2021-11-30. Review status: criteria provided, single submitter. Criteria: Invitae Variant Classification Sherloc (09022015). Collection method: clinical testing. Allele origin: germline.
Comment: This sequence change creates a premature translational stop signal (p.Cys40Alafs*10) in the PEX2 gene. While this is not anticipated to result in nonsense mediated decay, it is expected to disrupt the last 266 amino acid(s) of the PEX2 protein. This variant is not present in population databases (gnomAD no frequency). This variant has not been reported in the literature in individuals affected with PEX2-related conditions. This variant disrupts a region of the PEX2 protein in which other variant(s) (p.Leu207Serfs*10) have been determined to be pathogenic (Invitae). This suggests that this is a clinically significant region of the protein, and that variants that disrupt it are likely to be disease-causing. For these reasons, this variant has been classified as Pathogenic.

NM_000318.3(PEX2):c.118del (p.Cys40fs)

Gene: PEX2 (peroxisomal biogenesis factor 2; minus strand). Cytogenetic location: 8q21.13.
Variant type: Deletion.
Coding change: c.118del on transcript NM_000318.3 (MANE Select); coding-DNA position 118, one base deleted (T; older notation c.118delT).
Protein change: p.Cys40fs; shifts the reading frame from cysteine 40.
Molecular consequence: frameshift variant.
Genome position (GRCh38, 1-based): chr8:76,984,061, A deleted on the plus strand (T on the coding strand, the reverse complement: PEX2 is on the minus strand). VCF-style (leftmost placement, unchanged base first): chr8-76984060-CA-C. GRCh37 (hg19) VCF-style: chr8-77896296-CA-C.
Other names: c.118del, p.Cys40fs (NM_001079867.2, NM_001172086.2, NM_001172087.2); short protein forms C40fs.
Identifiers: ClinVar variation 1968031 (VCV001968031.6), dbSNP rs2487453569, ClinGen allele CA2579209571.